The following is an entry in ClinVar:

ClinVar aggregate classification (germline): Benign (1 of 4 stars; one submission).

Conditions:
APC-Associated Polyposis Disorders.

Allele frequency attached by ClinVar (database versions not stated): gnomAD below 0.00001; TOPMed 0.00003; gnomAD exomes 0.00010; 1000 Genomes Project 0.00140; 1000 Genomes Project 30x 0.00172.
gnomAD v4.1: 50 of 232,446 alleles (0.022%); highest among the groups gnomAD compares: South Asian, 0.89%; no homozygotes.

Submission:

Illumina Laboratory Services, Illumina
Classification: Benign for APC-Associated Polyposis Disorders. Last evaluated: 2018-01-12. Review status: criteria provided, single submitter. Criteria: ICSL Variant Classification Criteria 13 December 2019. Collection method: clinical testing. Allele origin: germline.
Comment: This variant was observed in the ICSL laboratory as part of a predisposition screen in an ostensibly healthy population. It had not been previously curated by ICSL or reported in the Human Gene Mutation Database (HGMD: prior to June 1st, 2018), and was therefore a candidate for classification through an automated scoring system. Utilizing variant allele frequency, disease prevalence and penetrance estimates, and inheritance mode, an automated score was calculated to assess if this variant is too frequent to cause the disease. Based on the score and internal cut-off values, a variant classified as benign is not then subjected to further curation. The score for this variant resulted in a classification of benign for this disease.

NM_000038.6(APC):c.*2005T>G

Gene: APC (APC regulator of Wnt signaling pathway; plus strand). Cytogenetic location: 5q22.2.
Variant type: single nucleotide variant.
Coding change: c.*2005T>G on transcript NM_000038.6 (MANE Select); 2005 bases downstream of the stop codon, T replaced by G.
Molecular consequence: 3 prime UTR variant.
Genome position (GRCh38, 1-based): chr5:112,846,131, T>G. VCF-style: chr5-112846131-T-G. GRCh37 (hg19) VCF-style: chr5-112181828-T-G.
Other names: c.*2005T>G (NM_001127510.3, NM_001127511.3, NM_001354895.2 and 11 more transcripts).
Identifiers: ClinVar variation 350455 (VCV000350455.5), dbSNP rs559244186, ClinGen allele CA10622298.